The following is an entry in ClinVar:

ClinVar aggregate classification (germline): Uncertain significance (1 of 4 stars; one submission).

Submission:

GeneDx
Classification: Uncertain significance. Last evaluated: 2022-12-09. Review status: criteria provided, single submitter. Criteria: GeneDx Variant Classification Process June 2021. Collection method: clinical testing. Allele origin: germline. Affected: yes.
Comment: Not observed at significant frequency in large population cohorts (gnomAD); In silico analysis supports that this missense variant does not alter protein structure/function; Has not been previously published as pathogenic or benign to our knowledge

NM_015057.5(MYCBP2):c.179C>T (p.Ser60Phe)

Genes: MYCBP2 (MYC binding protein 2; minus strand), LOC130009920 (ATAC-STARR-seq lymphoblastoid silent region 5418; plus strand). Cytogenetic location: 13q22.3.
Variant type: single nucleotide variant.
Coding change: c.179C>T on transcript NM_015057.5 (MANE Select); coding-DNA position 179, C replaced by T.
Protein change: p.Ser60Phe; replaces serine 60 with phenylalanine.
Molecular consequence: missense variant.
Genome position (GRCh38, 1-based): chr13:77,326,597, G>A on the plus strand (C>T on the coding strand, the complement: MYCBP2 is on the minus strand). VCF-style: chr13-77326597-G-A. GRCh37 (hg19) VCF-style: chr13-77900732-G-A.
Other names: short protein forms S60F.
Identifiers: ClinVar variation 2504862 (VCV002504862.1), dbSNP rs2550007864, ClinGen allele CA388445340.